The following is an entry in ClinVar:

NM_025176.6(NINL):c.3429G>C (p.Gln1143His)

Gene: NINL (ninein like; minus strand). Cytogenetic location: 20p11.21.
Variant type: single nucleotide variant.
Coding change: c.3429G>C on transcript NM_025176.6 (MANE Select); coding-DNA position 3429, G replaced by C.
Protein change: p.Gln1143His; replaces glutamine 1143 with histidine.
Molecular consequence: missense variant.
Genome position (GRCh38, 1-based): chr20:25,462,536, C>G on the plus strand (G>C on the coding strand, the complement: NINL is on the minus strand). VCF-style: chr20-25462536-C-G. GRCh37 (hg19) VCF-style: chr20-25443172-C-G.
Other names: c.2382G>C, p.Gln794His (NM_001318226.2); short protein forms Q1143H, Q794H.
Identifiers: ClinVar variation 2635224 (VCV002635224.1), dbSNP rs2062817577, ClinGen allele CA408453289.

ClinVar aggregate classification (germline): Uncertain significance (1 of 4 stars; one submission).

Conditions:
NINL-related disorder. Also called: NINL-related condition.

Submission:

PreventionGenetics, part of Exact Sciences
Classification: Uncertain significance for NINL-related condition. Last evaluated: 2022-11-02. Review status: criteria provided, single submitter. Criteria: ACMG Guidelines, 2015. Collection method: clinical testing. Allele origin: germline.
Comment: The NINL c.3429G>C variant is predicted to result in the amino acid substitution p.Gln1143His. To our knowledge, this variant has not been reported in the literature or in a large population database, indicating this variant is rare. At this time, the clinical significance of this variant is uncertain due to the absence of conclusive functional and genetic evidence.